The following is an entry in ClinVar:

NM_001283009.2(RTEL1):c.1595+9C>G

Genes: RTEL1 (regulator of telomere elongation helicase 1; plus strand), RTEL1-TNFRSF6B (RTEL1-TNFRSF6B readthrough (NMD candidate); plus strand). Cytogenetic location: 20q13.33.
Variant type: single nucleotide variant.
Coding change: c.1595+9C>G on transcript NM_001283009.2 (MANE Select); 9 bases into the intron after coding-DNA position 1595, C replaced by G.
Molecular consequence: intron variant.
Genome position (GRCh38, 1-based): chr20:63,688,059, C>G. VCF-style: chr20-63688059-C-G. GRCh37 (hg19) VCF-style: chr20-62319412-C-G.
Other names: c.926+9C>G (NM_001283010.1); c.1667+9C>G (NM_032957.5); c.1595+9C>G (NM_016434.4).
Identifiers: ClinVar variation 4992789 (VCV004992789.1).

ClinVar aggregate classification (germline): Likely benign (1 of 4 stars; one submission).

Conditions:
RTEL1-related disorder. Also called: RTEL1-related disorders; RTEL1-related condition.

Submission:

PreventionGenetics, part of Exact Sciences
Classification: Likely benign for RTEL1-related condition. Last evaluated: 2026-09-24. Review status: criteria provided, single submitter. Criteria: ACMG Guidelines, 2015. Collection method: clinical testing. Allele origin: germline.
Comment: This variant is classified as likely benign based on ACMG/AMP sequence variant interpretation guidelines (Richards et al. 2015 PMID: 25741868, with internal and published modifications).